The following is an entry in ClinVar:

ClinVar aggregate classification (germline): Uncertain significance (1 of 4 stars; one submission).

Conditions:
Joubert syndrome 21 (JBTS21). Identifiers: MedGen C3810212, MONDO:0014288, OMIM 615636.

gnomAD v4.1: 1 of 1,614,106 alleles (0.000062%); highest among the groups gnomAD compares: Admixed American, 0.0017%; no homozygotes.

Submission:

Labcorp Genetics (formerly Invitae), Labcorp
Classification: Uncertain significance for Joubert syndrome 21. Last evaluated: 2021-12-23. Review status: criteria provided, single submitter. Criteria: Invitae Variant Classification Sherloc (09022015). Collection method: clinical testing. Allele origin: germline.
Comment: In summary, the available evidence is currently insufficient to determine the role of this variant in disease. Therefore, it has been classified as a Variant of Uncertain Significance. Algorithms developed to predict the effect of missense changes on protein structure and function are either unavailable or do not agree on the potential impact of this missense change (SIFT: "Tolerated"; PolyPhen-2: "Possibly Damaging"; Align-GVGD: "Class C0"). This variant has not been reported in the literature in individuals affected with CSPP1-related conditions. This variant is not present in population databases (gnomAD no frequency). This sequence change replaces aspartic acid, which is acidic and polar, with glutamic acid, which is acidic and polar, at codon 1170 of the CSPP1 protein (p.Asp1170Glu).

NM_001382391.1(CSPP1):c.3525C>A (p.Asp1175Glu)

Genes: ARFGEF1 (ARF guanine nucleotide exchange factor 1; minus strand), CSPP1 (centrosome and spindle pole associated protein 1; plus strand). Cytogenetic location: 8q13.2.
Variant type: single nucleotide variant.
Coding change: c.3525C>A on transcript NM_001382391.1 (MANE Select); coding-DNA position 3525, C replaced by A.
Protein change: p.Asp1175Glu; replaces aspartic acid 1175 with glutamic acid.
Molecular consequence: missense variant. On other transcripts: 3 prime UTR variant (1), intron variant (2).
Genome position (GRCh38, 1-based): chr8:67,195,437, C>A. VCF-style: chr8-67195437-C-A. GRCh37 (hg19) VCF-style: chr8-68107672-C-A.
Other names: c.2475C>A, p.Asp825Glu (NM_001291339.2); c.3444C>A, p.Asp1148Glu (NM_001363131.2); c.3330C>A, p.Asp1110Glu (NM_001363132.2); c.3249C>A, p.Asp1083Glu (NM_001363133.2); c.3591C>A, p.Asp1197Glu (NM_001364869.1); c.3411C>A, p.Asp1137Glu (NM_001364870.1); c.3357C>A, p.Asp1119Glu (NM_001438330.1); c.*17C>A (NM_001438331.1); and 4 more; short protein forms D1197E, D1137E, D1110E, D1148E, D1170E, D1083E, D1175E, D825E.
Identifiers: ClinVar variation 1913579 (VCV001913579.3), dbSNP rs760288295, ClinGen allele CA371204197.
Genomic context (GRCh38, chr8:67,195,437, plus strand): 5'-TGTAGATGATGAGAGTTCACTGGTTGACCCTGATGACATCATGAAACACATAGGGGATGA[C>A]GGATCAAACTCTGTAGCAACTGAGCCCTGGCTCCGCCCTGGCACTTCAGAAACGCTGAAA-3'
Protein context (NP_001369320.1, residues 1165-1185): PDDIMKHIGD[Asp1175Glu]GSNSVATEPW